The following is an entry in ClinVar:

NM_002294.3(LAMP2):c.*2195T>C

Gene: LAMP2 (lysosome associated membrane protein 2; minus strand). Cytogenetic location: Xq24.
Variant type: single nucleotide variant.
Coding change: c.*2195T>C on transcript NM_002294.3 (MANE Select); 2195 bases downstream of the stop codon, T replaced by C.
Molecular consequence: 3 prime UTR variant. On other transcripts: intron variant (1).
Genome position (GRCh38, 1-based): chrX:120,429,128, A>G on the plus strand (T>C on the coding strand, the complement: LAMP2 is on the minus strand). VCF-style: chrX-120429128-A-G. GRCh37 (hg19) VCF-style: chrX-119562983-A-G.
Other names: c.1094-502T>C (NM_001122606.1).
Identifiers: ClinVar variation 367759 (VCV000367759.8), dbSNP rs13441024, ClinGen allele CA10645850.

ClinVar aggregate classification (germline): Benign. Review status: criteria provided, multiple submitters, no conflicts (2 of 4 stars). 2 submissions from 2 submitters: Benign (2). Last evaluated 2021-06-02.

Conditions:
Danon disease. Also called: ANTOPOL DISEASE; PSEUDOGLYCOGENOSIS II; GSD IIb; LYSOSOMAL GLYCOGEN STORAGE DISEASE WITHOUT ACID MALTASE DEFICIENCY; Glycogen Storage Disease Type IIb. Identifiers: Orphanet 34587, MedGen C0878677, MONDO:0010281, OMIM 300257.

Allele frequency attached by ClinVar (database versions not stated): gnomAD exomes 0.01025; gnomAD 0.09137 and 0.09721; 1000 Genomes Project 0.10252; TOPMed 0.10879.
gnomAD v4.1: 15,557 of 647,268 alleles (2.4%); highest among the groups gnomAD compares: African/African-American, 28%; 1,316 homozygotes.

Submissions (2):

GeneDx
Classification: Benign. Last evaluated: 2021-06-02. Review status: criteria provided, single submitter. Criteria: GeneDx Variant Classification Process June 2021. Collection method: clinical testing. Allele origin: germline. Affected: yes.

Illumina Laboratory Services, Illumina
Classification: Benign for Danon disease. Last evaluated: 2018-01-13. Review status: criteria provided, single submitter. Criteria: ICSL Variant Classification Criteria 13 December 2019. Collection method: clinical testing. Allele origin: germline.
Comment: This variant was observed in the ICSL laboratory as part of a predisposition screen in an ostensibly healthy population. It had not been previously curated by ICSL or reported in the Human Gene Mutation Database (HGMD: prior to June 1st, 2018), and was therefore a candidate for classification through an automated scoring system. Utilizing variant allele frequency, disease prevalence and penetrance estimates, and inheritance mode, an automated score was calculated to assess if this variant is too frequent to cause the disease. Based on the score and internal cut-off values, a variant classified as benign is not then subjected to further curation. The score for this variant resulted in a classification of benign for this disease.